The following is an entry in ClinVar:

NM_000092.5(COL4A4):c.4901G>C (p.Cys1634Ser)

Gene: COL4A4 (collagen type IV alpha 4 chain; minus strand). Cytogenetic location: 2q36.3.
Variant type: single nucleotide variant.
Coding change: c.4901G>C on transcript NM_000092.5 (MANE Select); coding-DNA position 4901, G replaced by C.
Protein change: p.Cys1634Ser; replaces cysteine 1634 with serine.
Molecular consequence: missense variant.
Genome position (GRCh38, 1-based): chr2:227,007,497, C>G on the plus strand (G>C on the coding strand, the complement: COL4A4 is on the minus strand). VCF-style: chr2-227007497-C-G. GRCh37 (hg19) VCF-style: chr2-227872213-C-G.
Other names: short protein forms C1634S.
Identifiers: ClinVar variation 2112525 (VCV002112525.7), dbSNP rs1345086570, ClinGen allele CA351140220.

ClinVar aggregate classification (germline): Conflicting classifications of pathogenicity. Review status: criteria provided, conflicting classifications (1 of 4 stars). 3 submissions from 3 submitters: Pathogenic (1); Likely pathogenic (1); Uncertain significance (1). Last evaluated 2025-07-10.

Conditions:
Autosomal recessive Alport syndrome (ATS2). Also called: COL4A4 Alport Syndrome and Thin Basement Membrane Nephropathy; Alport syndrome type 2; ALPORT SYNDROME 2, AUTOSOMAL RECESSIVE; COL4A3-Related Nephropathy. Identifiers: Orphanet 63, Orphanet 88919, MedGen C4746745, MONDO:0008762, OMIM 203780.

Submissions (3):

Women's Health and Genetics/Laboratory Corporation of America, LabCorp
Classification: Uncertain significance. Last evaluated: 2025-07-10. Review status: criteria provided, single submitter. Criteria: LabCorp Variant Classification Summary - May 2015. Collection method: clinical testing. Allele origin: germline.
Comment: Variant summary: COL4A4 c.4901G>C (p.Cys1634Ser) results in a non-conservative amino acid change located in the Collagen IV, non-collagenous domain (IPR001442) of the encoded protein sequence. Algorithms developed to predict the effect of missense changes on protein structure and function all suggest that this variant is likely to be disruptive. The variant was absent in 249150 control chromosomes. The available data on variant occurrences in the general population are insufficient to allow any conclusion about variant significance. c.4901G>C has been observed in at least 1 individual(s) affected with clinical features of autosomal dominant Alport syndrome (example, Nam_2024). These data do not allow any conclusion about variant significance. Additionally, at least 3 related individuals were heterozygous for a different c. change resulting in the same protein effect (c.4900T>A, p.Cys1634Ser) (PMID: 15086897). To our knowledge, no experimental evidence demonstrating an impact on protein function has been reported. The following publications have been ascertained in the context of this evaluation (PMID: 39597783, 21280145, 36699462, 20847057, 19129241). ClinVar contains an entry for this variant (Variation ID: 2112525). Based on the evidence outlined above, the variant was classified as VUS-possibly pathogenic.

3billion
Classification: Likely pathogenic for Autosomal recessive Alport syndrome. Last evaluated: 2025-02-15. Review status: criteria provided, single submitter. Criteria: ACMG Guidelines, 2015. Collection method: clinical testing. Allele origin: germline. Affected: yes.
Comment: The variant is not observed in the gnomAD v4.1.0 dataset. Predicted Consequence/Location: Missense variant In silico tool predictions suggest damaging effect of the variant on gene or gene product [REVEL: 0.96 (>=0.6, sensitivity 0.68 and specificity 0.92); 3Cnet: 0.63 (>=0.6, sensitivity 0.72 and precision 0.9)]. The same nucleotide change resulting in the same amino acid change has been previously reported as pathogenic/likely pathogenic with strong evidence (ClinVar ID: VCV002112525 /PMID: 15086897). A different missense change at the same codon (p.Cys1634Arg) has been reported as pathogenic/likely pathogenic with strong evidence (ClinVar ID: VCV002149729). Therefore, this variant is classified as Likely pathogenic according to the recommendation of ACMG/AMP guideline.

Labcorp Genetics (formerly Invitae), Labcorp
Classification: Pathogenic. Last evaluated: 2022-03-15. Review status: criteria provided, single submitter. Criteria: Invitae Variant Classification Sherloc (09022015). Collection method: clinical testing. Allele origin: germline.
Comment: For these reasons, this variant has been classified as Pathogenic. This variant disrupts the p.Cys1634 amino acid residue in COL4A4. Other variant(s) that disrupt this residue have been determined to be pathogenic (Invitae). This suggests that this residue is clinically significant, and that variants that disrupt this residue are likely to be disease-causing. Advanced modeling of protein sequence and biophysical properties (such as structural, functional, and spatial information, amino acid conservation, physicochemical variation, residue mobility, and thermodynamic stability) performed at Invitae indicates that this missense variant is expected to disrupt COL4A4 protein function. This missense change has been observed in individual(s) with autosomal dominant Alport syndrome (PMID: 15086897). It has also been observed to segregate with disease in related individuals. This sequence change replaces cysteine, which is neutral and slightly polar, with serine, which is neutral and polar, at codon 1634 of the COL4A4 protein (p.Cys1634Ser). This variant is not present in population databases (gnomAD no frequency).

Literature cited by the submitters: PubMed 36699462 (cited by Women's Health and Genetics/Laboratory Corporation of America, LabCorp); PubMed 21280145 (cited by Women's Health and Genetics/Laboratory Corporation of America, LabCorp); PubMed 20847057 (cited by Women's Health and Genetics/Laboratory Corporation of America, LabCorp); PubMed 19129241 (cited by Women's Health and Genetics/Laboratory Corporation of America, LabCorp); PubMed 39597783 (cited by Women's Health and Genetics/Laboratory Corporation of America, LabCorp); PubMed 15086897 (cited by 3billion and Labcorp Genetics (formerly Invitae), Labcorp).